The following is an entry in ClinVar:

ClinVar aggregate classification (germline): Uncertain significance (1 of 4 stars; one submission).

Conditions:
Neuroblastoma, susceptibility to, 3. Also called: ALK-Related Neuroblastic Tumor Susceptibility. Identifiers: Orphanet 635, MedGen C2751681, MONDO:0013083, OMIM 613014.

Submission:

Labcorp Genetics (formerly Invitae), Labcorp
Classification: Uncertain significance for Neuroblastoma, susceptibility to, 3. Last evaluated: 2021-03-01. Review status: criteria provided, single submitter. Criteria: Invitae Variant Classification Sherloc (09022015). Collection method: clinical testing. Allele origin: germline.
Comment: This variant is not present in population databases (ExAC no frequency). This sequence change replaces tryptophan with cysteine at codon 593 of the ALK protein (p.Trp593Cys). The tryptophan residue is highly conserved and there is a large physicochemical difference between tryptophan and cysteine. This variant has not been reported in the literature in individuals with ALK-related conditions. Algorithms developed to predict the effect of missense changes on protein structure and function (SIFT, PolyPhen-2, Align-GVGD) all suggest that this variant is likely to be disruptive, but these predictions have not been confirmed by published functional studies and their clinical significance is uncertain. In summary, the available evidence is currently insufficient to determine the role of this variant in disease. Therefore, it has been classified as a Variant of Uncertain Significance.

NM_004304.5(ALK):c.1779G>C (p.Trp593Cys)

Gene: ALK (ALK receptor tyrosine kinase; minus strand). Cytogenetic location: 2p23.2.
Variant type: single nucleotide variant.
Coding change: c.1779G>C on transcript NM_004304.5 (MANE Select); coding-DNA position 1779, G replaced by C.
Protein change: p.Trp593Cys; replaces tryptophan 593 with cysteine.
Molecular consequence: missense variant.
Genome position (GRCh38, 1-based): chr2:29,296,926, C>G on the plus strand (G>C on the coding strand, the complement: ALK is on the minus strand). VCF-style: chr2-29296926-C-G. GRCh37 (hg19) VCF-style: chr2-29519792-C-G.
Other names: short protein forms W593C.
Identifiers: ClinVar variation 1362152 (VCV001362152.8), dbSNP rs2148231055, ClinGen allele CA346465987.